The following is an entry in ClinVar:

ClinVar aggregate classification (germline): Pathogenic. Review status: criteria provided, multiple submitters, no conflicts (2 of 4 stars). 5 submissions from 5 submitters: Pathogenic (5). Last evaluated 2026-08-20.

Conditions:
Epidermolysis bullosa dystrophica. Also called: Dystrophic epidermolysis bullosa; Dystrophic epidermolysis bullosa, Hallopeau-Siemens type (formerly). Identifiers: Orphanet 303, MedGen C0079294, MONDO:0006543.
Recessive dystrophic epidermolysis bullosa (RDEB). Also called: Hallopeau-Siemens Disease; Recessive DEB (RDEB); epidermolysis bullosa dystrophica, autosomal recessive; Epidermolysis Bullosa Distrophica Autosomal Recessive (RDEB); EPIDERMOLYSIS BULLOSA DYSTROPHICA, GENERALIZED SEVERE, AUTOSOMAL RECESSIVE; DYSTROPHIC EPIDERMOLYSIS BULLOSA, AUTOSOMAL RECESSIVE. Identifiers: Orphanet 79408, Orphanet 79409, MedGen C0079474, MONDO:0009179, OMIM 226600.
Generalized dominant dystrophic epidermolysis bullosa (DDEB). Also called: Dominant DEB (DDEB); DDEB, generalized; DDEB-gen; DYSTROPHIC EPIDERMOLYSIS BULLOSA, AUTOSOMAL DOMINANT; Epidermolysis bullosa dystrophica, autosomal dominant. Identifiers: Orphanet 231568, MedGen C0432322, MONDO:0007549, OMIM 131750.
Transient bullous dermolysis of the newborn (TBDN). Also called: EPIDERMOLYSIS BULLOSA DYSTROPHICA, NEONATAL FORM; DYSTROPHIC EPIDERMOLYSIS BULLOSA, NEONATAL. Identifiers: Orphanet 79411, MedGen C1851573, MONDO:0007548, OMIM 131705.
Nonsyndromic congenital nail disorder 8. Also called: TOENAIL DYSTROPHY, ISOLATED. Identifiers: MedGen C1843761, MONDO:0011852, OMIM 607523.
Epidermolysis bullosa pruriginosa. Also called: DEB, PRURIGINOSA; DYSTROPHIC EPIDERMOLYSIS BULLOSA PRURIGINOSA. Identifiers: Orphanet 89843, MedGen C1275114, MONDO:0011398, OMIM 604129.
Pretibial dystrophic epidermolysis bullosa. Also called: Pretibial epidermolysis bullosa; EPIDERMOLYSIS BULLOSA DYSTROPHICA, PRETIBIAL; Pretibial blistering. Identifiers: Orphanet 79410, MedGen C0432321, MONDO:0007552, OMIM 131850, HP:0012221.
Dominant dystrophic epidermolysis bullosa with absence of skin. Also called: EPIDERMOLYSIS BULLOSA WITH CONGENITAL LOCALIZED ABSENCE OF SKIN AND DEFORMITY OF NAILS; EPIDERMOLYSIS BULLOSA DYSTROPHICA, BART TYPE. Identifiers: MedGen C0268371, MONDO:0007557, OMIM 132000.

Allele frequency attached by ClinVar (database versions not stated): gnomAD 0.00001 and 0.00002; TOPMed 0.00001; 1000 Genomes Project 30x 0.00016; 1000 Genomes Project 0.00020.
gnomAD v4.1: 7 of 1,613,334 alleles (0.00043%); highest among the groups gnomAD compares: East Asian, 0.0022%; no homozygotes.

Submissions (5):

Myriad Genetics, Inc.
Classification: Pathogenic for Recessive dystrophic epidermolysis bullosa. Last evaluated: 2026-08-20. Review status: criteria provided, single submitter. Criteria: Myriad Autosomal Dominant, Autosomal Recessive and X-Linked Classification Criteria (2023). Collection method: clinical testing. Allele origin: unknown.
Comment: NM_000094.3(COL7A1):c.6262G>A(G2088R) is a missense variant classified as pathogenic in the context of dystrophic epidermolysis bullosa. G2088R has been observed in cases with relevant disease (PMID: 20555349, 35581191, 39688128). Relevant functional assessments of this variant are available in the literature (PMID: 34674926). G2088R has been observed in referenced population frequency databases. In summary, NM_000094.3(COL7A1):c.6262G>A(G2088R) is a missense variant that has functional support for pathogenicity and has been observed more frequently in cases with the relevant disease than in healthy populations. Please note: this variant was assessed in the context of healthy population screening.

Natera, Inc.
Classification: Pathogenic for Dystrophic epidermolysis bullosa. Last evaluated: 2025-08-15. Review status: criteria provided, single submitter. Criteria: Natera Variant Classification Schema (03/2026). Collection method: clinical testing. Allele origin: germline.
Comment: The c.6262G>A variant in COL7A1 is a missense variant predicted to cause substitution of glycine to arginine at amino acid 2088. This variant is rare in the general population with a frequency below the threshold expected for the associated phenotype(s). This variant has been observed in one or more individuals affected with the associated recessive disease, as either homozygous or compound heterozygous with a second variant (PMID: 35581191, 20555349, 34597860). Additionally, this variant has been observed to segregate in affected family members (PMID: 35581191). Given the available evidence, this variant is classified as Pathogenic.

Fulgent Genetics
Classification: Pathogenic for Transient bullous dermolysis of the newborn; Generalized dominant dystrophic epidermolysis bullosa; Pretibial dystrophic epidermolysis bullosa; Dominant dystrophic epidermolysis bullosa with absence of skin; Recessive dystrophic epidermolysis bullosa; Epidermolysis bullosa pruriginosa; Nonsyndromic congenital nail disorder 8. Last evaluated: 2024-01-17. Review status: criteria provided, single submitter. Criteria: ACMG Guidelines, 2015. Collection method: clinical testing. Allele origin: germline.

Labcorp Genetics (formerly Invitae), Labcorp
Classification: Pathogenic. Last evaluated: 2023-08-01. Review status: criteria provided, single submitter. Criteria: Invitae Variant Classification Sherloc (09022015). Collection method: clinical testing. Allele origin: germline.
Comment: For these reasons, this variant has been classified as Pathogenic. This variant disrupts the p.Gly2088 amino acid residue in COL7A1. Other variant(s) that disrupt this residue have been observed in individuals with COL7A1-related conditions (PMID: 16965439), which suggests that this may be a clinically significant amino acid residue. This variant disrupts the triple helix domain of COL7A1. Glycine residues within the Gly-Xaa-Yaa repeats of the triple helix domain are required for the structure and stability of fibrillar collagens (PMID: 7695699, 8218237, 19344236), and variants at these glycine residues in COL7A1 are more frequently observed in individuals with disease than in the general population (PMID: 22058051). However, the clinical significance of this observation remains uncertain since only a limited number of affected individuals have been described to date. Advanced modeling of protein sequence and biophysical properties (such as structural, functional, and spatial information, amino acid conservation, physicochemical variation, residue mobility, and thermodynamic stability) performed at Invitae indicates that this missense variant is expected to disrupt COL7A1 protein function. ClinVar contains an entry for this variant (Variation ID: 372344). This missense change has been observed in individual(s) with autosomal recessive dystrophic epidermolysis bullosa (PMID: 20555349). In at least one individual the data is consistent with being in trans (on the opposite chromosome) from a pathogenic variant. This variant is present in population databases (rs573432153, gnomAD 0.0009%). This sequence change replaces glycine, which is neutral and non-polar, with arginine, which is basic and polar, at codon 2088 of the COL7A1 protein (p.Gly2088Arg).

GeneDx
Classification: Pathogenic. Last evaluated: 2022-12-09. Review status: criteria provided, single submitter. Criteria: GeneDx Variant Classification Process June 2021. Collection method: clinical testing. Allele origin: germline. Affected: yes.
Comment: Published functional studies demonstrate increased sensitivity to protease digestion and diminished formation of collagen trimers of the resulting protein compared to wild-type (Woodley et al., 2021); Located in the highly conserved Gly-X-Y repeat of the collagenous domain; Glycine substitution variants in this region of the COLVII protein destabilize the collagen triple helix resulting in skin fragility due to poor anchoring of the basement membrane to the underlying dermis (Pfendner and Lucky, 2018); Not observed at a significant frequency in large population cohorts (gnomAD); In silico analysis supports that this missense variant has a deleterious effect on protein structure/function; This variant is associated with the following publications: (PMID: 21448560, 25525159, 34597860, 20555349, 35581191, 34674926)

Literature cited by the submitters: PubMed 20555349 (cited by 3 submitters); PubMed 34674926 (cited by Myriad Genetics, Inc.); PubMed 35581191 (cited by Myriad Genetics, Inc. and Natera, Inc.); PubMed 39688128 (cited by Myriad Genetics, Inc.); PubMed 34597860 (cited by Natera, Inc.); PubMed 16965439 (cited by Labcorp Genetics (formerly Invitae), Labcorp); PubMed 7695699 (cited by Labcorp Genetics (formerly Invitae), Labcorp); PubMed 8218237 (cited by Labcorp Genetics (formerly Invitae), Labcorp); PubMed 19344236 (cited by Labcorp Genetics (formerly Invitae), Labcorp); PubMed 22058051 (cited by Labcorp Genetics (formerly Invitae), Labcorp).

NM_000094.4(COL7A1):c.6262G>A (p.Gly2088Arg)

Gene: COL7A1 (collagen type VII alpha 1 chain; minus strand). Cytogenetic location: 3p21.31.
Variant type: single nucleotide variant.
Coding change: c.6262G>A on transcript NM_000094.4 (MANE Select); coding-DNA position 6262, G replaced by A.
Protein change: p.Gly2088Arg; replaces glycine 2088 with arginine.
Molecular consequence: missense variant.
Genome position (GRCh38, 1-based): chr3:48,575,081, C>T on the plus strand (G>A on the coding strand, the complement: COL7A1 is on the minus strand). VCF-style: chr3-48575081-C-T. GRCh37 (hg19) VCF-style: chr3-48612514-C-T.
Other names: short protein forms G2088R.
Identifiers: ClinVar variation 372344 (VCV000372344.15), dbSNP rs573432153, ClinGen allele CA2379133.